The following is an entry in ClinVar:

ClinVar aggregate classification (germline): Uncertain significance. Review status: criteria provided, multiple submitters, no conflicts (2 of 4 stars). 3 submissions from 3 submitters: Uncertain significance (3). Last evaluated 2025-10-03.

Conditions:
Inborn genetic diseases. Identifiers: MedGen C0950123, MeSH D030342.

Allele frequency attached by ClinVar (database versions not stated): ExAC 0.00007; TOPMed 0.00008; gnomAD 0.00009.
gnomAD v4.1: 180 of 1,613,118 alleles (0.011%); highest among the groups gnomAD compares: Non-Finnish European, 0.015%; no homozygotes.

Submissions (3):

GeneDx
Classification: Uncertain significance. Last evaluated: 2025-10-03. Review status: criteria provided, single submitter. Criteria: GeneDx Variant Classification Process June 2021. Collection method: clinical testing. Allele origin: germline. Affected: yes.
Comment: In silico analysis supports that this missense variant has a deleterious effect on protein structure/function; Has not been previously published as pathogenic or benign to our knowledge

Labcorp Genetics (formerly Invitae), Labcorp
Classification: Uncertain significance. Last evaluated: 2022-04-10. Review status: criteria provided, single submitter. Criteria: Invitae Variant Classification Sherloc (09022015). Collection method: clinical testing. Allele origin: germline.
Comment: This sequence change replaces arginine, which is basic and polar, with threonine, which is neutral and polar, at codon 1155 of the CCDC88C protein (p.Arg1155Thr). This variant is present in population databases (rs763025338, gnomAD 0.02%). This variant has not been reported in the literature in individuals affected with CCDC88C-related conditions. ClinVar contains an entry for this variant (Variation ID: 420572). Algorithms developed to predict the effect of missense changes on protein structure and function are either unavailable or do not agree on the potential impact of this missense change (SIFT: "Deleterious"; PolyPhen-2: "Benign"; Align-GVGD: "Class C0"). In summary, the available evidence is currently insufficient to determine the role of this variant in disease. Therefore, it has been classified as a Variant of Uncertain Significance.

Ambry Genetics
Classification: Uncertain significance for Inborn genetic diseases. Last evaluated: 2021-09-22. Review status: criteria provided, single submitter. Criteria: Ambry Variant Classification Scheme 2023. Collection method: clinical testing. Allele origin: germline.

NM_001080414.4(CCDC88C):c.3464G>C (p.Arg1155Thr)

Gene: CCDC88C (coiled-coil and HOOK domain protein 88C; minus strand). Cytogenetic location: 14q32.11.
Variant type: single nucleotide variant.
Coding change: c.3464G>C on transcript NM_001080414.4 (MANE Select); coding-DNA position 3464, G replaced by C.
Protein change: p.Arg1155Thr; replaces arginine 1155 with threonine.
Molecular consequence: missense variant.
Genome position (GRCh38, 1-based): chr14:91,303,872, C>G on the plus strand (G>C on the coding strand, the complement: CCDC88C is on the minus strand). VCF-style: chr14-91303872-C-G. GRCh37 (hg19) VCF-style: chr14-91770216-C-G.
Other names: short protein forms R1155T.
Identifiers: ClinVar variation 420572 (VCV000420572.5), dbSNP rs763025338, ClinGen allele CA7309325.